The following is an entry in ClinVar:

ClinVar aggregate classification (germline): Uncertain significance (1 of 4 stars; one submission).

Conditions:
Brugada syndrome. Also called: Sudden Unexplained Death Syndrome; Sudden Unexplained Nocturnal Death Syndrome (SUNDS); Sudden unexpected nocturnal death syndrome; Sudden unexplained nocturnal death syndrome. Identifiers: Orphanet 130, MedGen C1142166, MONDO:0015263.

Submission:

Labcorp Genetics (formerly Invitae), Labcorp
Classification: Uncertain significance for Brugada syndrome. Last evaluated: 2021-03-22. Review status: criteria provided, single submitter. Criteria: Invitae Variant Classification Sherloc (09022015). Collection method: clinical testing. Allele origin: germline.
Comment: This variant, c.1637_1645dup, results in the insertion of 3 amino acid(s) to the SCN10A protein (p.Gln546_Pro548dup), but otherwise preserves the integrity of the reading frame. This variant is not present in population databases (ExAC no frequency). In summary, the available evidence is currently insufficient to determine the role of this variant in disease. Therefore, it has been classified as a Variant of Uncertain Significance. Experimental studies and prediction algorithms are not available or were not evaluated, and the functional significance of this variant is currently unknown. This variant has not been reported in the literature in individuals with SCN10A-related conditions.

NM_006514.4(SCN10A):c.1637_1645dup (p.Gln546_Pro548dup)

Gene: SCN10A (sodium voltage-gated channel alpha subunit 10; minus strand). Cytogenetic location: 3p22.2.
Variant type: Duplication.
Coding change: c.1637_1645dup on transcript NM_006514.4 (MANE Select); coding-DNA positions 1637 to 1645, 9 bases duplicated (AAGGCCCCC; older notation c.1637_1645dupAAGGCCCCC).
Protein change: p.Gln546_Pro548dup.
Molecular consequence: inframe insertion. On other transcripts: intron variant (1).
Genome position (GRCh38, 1-based): chr3:38,752,329-38,752,337, GGGGGCCTT duplicated on the plus strand (AAGGCCCCC on the coding strand, the reverse complement: SCN10A is on the minus strand); duplicating any 9 consecutive bases within chr3:38,752,329-38,752,338 gives the same sequence; the c. name uses the placement nearest the transcript's 3' end. VCF-style (leftmost placement, unchanged base first): chr3-38752328-A-AGGGGGCCTT. GRCh37 (hg19) VCF-style: chr3-38793819-A-AGGGGGCCTT.
Other names: c.1637_1645dup, p.Gln546_Pro548dup (NM_001293306.2); c.1462-2153_1462-2145dup (NM_001293307.2).
Identifiers: ClinVar variation 1470457 (VCV001470457.8), dbSNP rs2126023600, ClinGen allele CA2573136292.